The following is an entry in ClinVar:

NM_024675.4(PALB2):c.1331A>G (p.Asn444Ser)

Gene: PALB2 (partner and localizer of BRCA2; minus strand). Cytogenetic location: 16p12.2.
Variant type: single nucleotide variant.
Coding change: c.1331A>G on transcript NM_024675.4 (MANE Select); coding-DNA position 1331, A replaced by G.
Protein change: p.Asn444Ser; replaces asparagine 444 with serine.
Molecular consequence: missense variant.
Genome position (GRCh38, 1-based): chr16:23,635,215, T>C on the plus strand (A>G on the coding strand, the complement: PALB2 is on the minus strand). VCF-style: chr16-23635215-T-C. GRCh37 (hg19) VCF-style: chr16-23646536-T-C.
Other names: short protein forms N444S.
Identifiers: ClinVar variation 580737 (VCV000580737.8), dbSNP rs764599493, ClinGen allele CA7963718.

ClinVar aggregate classification (germline): Uncertain significance. Review status: criteria provided, multiple submitters, no conflicts (2 of 4 stars). 2 submissions from 2 submitters: Uncertain significance (2). Last evaluated 2025-05-19.

Conditions:
Hereditary cancer-predisposing syndrome. Also called: Neoplastic Syndromes, Hereditary; Tumor predisposition; Hereditary neoplastic syndrome; Hereditary Cancer Syndrome. Identifiers: Orphanet 140162, MedGen C0027672, MeSH D009386, MONDO:0015356.
Familial cancer of breast. Also called: BREAST CANCER, FAMILIAL; hereditary breast carcinoma; Hereditary breast cancer. Identifiers: Orphanet 227535, MedGen C0346153, MONDO:0016419, OMIM 114480. Disease mechanism: loss of function.

Allele frequency attached by ClinVar (database versions not stated): ExAC 0.00001.
gnomAD v4.1: 1 of 1,614,172 alleles (0.000062%); no homozygotes.

Submissions (2):

Ambry Genetics
Classification: Uncertain significance for Hereditary cancer-predisposing syndrome. Last evaluated: 2025-05-19. Review status: criteria provided, single submitter. Criteria: Ambry Variant Classification Scheme 2023. Collection method: clinical testing. Allele origin: germline.
Comment: The p.N444S variant (also known as c.1331A>G), located in coding exon 4 of the PALB2 gene, results from an A to G substitution at nucleotide position 1331. The asparagine at codon 444 is replaced by serine, an amino acid with highly similar properties. This amino acid position is conserved. In addition, this alteration is predicted to be tolerated by in silico analysis. Based on the available evidence, the clinical significance of this variant remains unclear.

Labcorp Genetics (formerly Invitae), Labcorp
Classification: Uncertain significance for Familial cancer of breast. Last evaluated: 2022-09-22. Review status: criteria provided, single submitter. Criteria: Invitae Variant Classification Sherloc (09022015). Collection method: clinical testing. Allele origin: germline.
Comment: In summary, the available evidence is currently insufficient to determine the role of this variant in disease. Therefore, it has been classified as a Variant of Uncertain Significance. Algorithms developed to predict the effect of sequence changes on RNA splicing suggest that this variant may create or strengthen a splice site. Advanced modeling of protein sequence and biophysical properties (such as structural, functional, and spatial information, amino acid conservation, physicochemical variation, residue mobility, and thermodynamic stability) performed at Invitae indicates that this missense variant is not expected to disrupt PALB2 protein function. ClinVar contains an entry for this variant (Variation ID: 580737). This variant has not been reported in the literature in individuals affected with PALB2-related conditions. This variant is present in population databases (rs764599493, gnomAD no frequency). This sequence change replaces asparagine, which is neutral and polar, with serine, which is neutral and polar, at codon 444 of the PALB2 protein (p.Asn444Ser).